The following is an entry in ClinVar:

ClinVar aggregate classification (germline): Uncertain significance. Review status: criteria provided, multiple submitters, no conflicts (2 of 4 stars). 4 submissions from 4 submitters: Uncertain significance (4). Last evaluated 2025-08-23.

Conditions:
Hereditary cancer-predisposing syndrome. Also called: Hereditary Cancer Syndrome; Tumor predisposition; Neoplastic Syndromes, Hereditary; Hereditary neoplastic syndrome. Identifiers: Orphanet 140162, MedGen C0027672, MeSH D009386, MONDO:0015356.
Pheochromocytoma/paraganglioma syndrome 2. Also called: SDHAF2-Related Hereditary Paraganglioma-Pheochromocytoma Syndrome; SDHAF2-Related Hereditary Paraganglioma-Pheochromocytoma Syndrome (Paragangliomas 2); Paragangliomas 2; GLOMUS TUMORS, FAMILIAL, 2. Identifiers: Orphanet 29072, MedGen C1866552, MONDO:0011121, OMIM 601650.
Hereditary pheochromocytoma and paraganglioma. Also called: Hereditary pheochromocytoma-paraganglioma; Hereditary paragangliomas and pheochromocytomas; Hereditary Paraganglioma-Pheochromocytoma Syndromes. Identifiers: Orphanet 29072, MedGen C4274332, MONDO:0017366.

Allele frequency attached by ClinVar (database versions not stated): gnomAD exomes below 0.00001 and 0.00001; ExAC 0.00001.
gnomAD v4.1: 3 of 1,613,112 alleles (0.00019%); highest among the groups gnomAD compares: Admixed American, 0.0017%; no homozygotes.

Submissions (4):

Ambry Genetics
Classification: Uncertain significance for Hereditary cancer-predisposing syndrome. Last evaluated: 2025-08-23. Review status: criteria provided, single submitter. Criteria: Ambry Variant Classification Scheme 2023. Collection method: clinical testing. Allele origin: germline.
Comment: The p.I118V variant (also known as c.352A>G), located in coding exon 3 of the SDHAF2 gene, results from an A to G substitution at nucleotide position 352. The isoleucine at codon 118 is replaced by valine, an amino acid with highly similar properties. This amino acid position is highly conserved in available vertebrate species. In addition, the in silico prediction for this alteration is inconclusive. Since supporting evidence is limited at this time, the clinical significance of this alteration remains unclear.

All of Us Research Program, National Institutes of Health
Classification: Uncertain significance for Hereditary pheochromocytoma and paraganglioma. Last evaluated: 2023-10-06. Review status: criteria provided, single submitter. Criteria: ACMG Guidelines, 2015. Collection method: clinical testing. Allele origin: germline. Inheritance: Autosomal dominant inheritance. Observed: 1 variant allele, 1 heterozygote.
Comment: This missense variant replaces isoleucine with valine at codon 118 of the SDHAF2 protein. Computational prediction is inconclusive regarding the impact of this variant on protein structure and function (internally defined REVEL score threshold 0.5 < inconclusive < 0.7, PMID: 27666373). To our knowledge, functional studies have not been reported for this variant. This variant has not been reported in individuals affected with SDHAF2-related disorders in the literature. This variant has been identified in 3/251486 chromosomes in the general population by the Genome Aggregation Database (gnomAD). The available evidence is insufficient to determine the role of this variant in disease conclusively. Therefore, this variant is classified as a Variant of Uncertain Significance.

This study involves interpretation of variants in research participants for the purpose of population health screening. Participant phenotype was not available at the time of variant classification. Additional details can be found in publication PMID: 35346344, PMCID: PMC8962531

Labcorp Genetics (formerly Invitae), Labcorp
Classification: Uncertain significance for Hereditary pheochromocytoma and paraganglioma. Last evaluated: 2023-08-07. Review status: criteria provided, single submitter. Criteria: Invitae Variant Classification Sherloc (09022015). Collection method: clinical testing. Allele origin: germline.
Comment: An algorithm developed to predict the effect of missense changes on protein structure and function (PolyPhen-2) suggests that this variant is likely to be disruptive. In summary, the available evidence is currently insufficient to determine the role of this variant in disease. Therefore, it has been classified as a Variant of Uncertain Significance. ClinVar contains an entry for this variant (Variation ID: 823888). This variant has not been reported in the literature in individuals affected with SDHAF2-related conditions. This variant is present in population databases (rs747994812, gnomAD 0.003%). This sequence change replaces isoleucine, which is neutral and non-polar, with valine, which is neutral and non-polar, at codon 118 of the SDHAF2 protein (p.Ile118Val).

Institute of Human Genetics, University of Leipzig Medical Center
Classification: Uncertain significance for Pheochromocytoma/paraganglioma syndrome 2. Last evaluated: 2019-12-23. Review status: criteria provided, single submitter. Criteria: ACMG Guidelines, 2015. Collection method: clinical testing. Allele origin: germline. Affected: yes. Observed: 1 variant allele.

NM_017841.4(SDHAF2):c.352A>G (p.Ile118Val)

Gene: SDHAF2 (succinate dehydrogenase complex assembly factor 2; plus strand). Cytogenetic location: 11q12.2.
Variant type: single nucleotide variant.
Coding change: c.352A>G on transcript NM_017841.4 (MANE Select); coding-DNA position 352, A replaced by G.
Protein change: p.Ile118Val; replaces isoleucine 118 with valine.
Molecular consequence: missense variant.
Genome position (GRCh38, 1-based): chr11:61,438,095, A>G. VCF-style: chr11-61438095-A-G. GRCh37 (hg19) VCF-style: chr11-61205567-A-G.
Other names: short protein forms I118V.
Identifiers: ClinVar variation 823888 (VCV000823888.15), dbSNP rs747994812, ClinGen allele CA058548.